The following is an entry in ClinVar:

NM_018180.3(DHX32):c.1172T>C (p.Ile391Thr)

Genes: BCCIP (BRCA2 and CDKN1A interacting protein; plus strand), DHX32 (DEAH-box helicase 32 (putative); minus strand). Cytogenetic location: 10q26.2.
Variant type: single nucleotide variant.
Coding change: c.1172T>C on transcript NM_018180.3 (MANE Select); coding-DNA position 1172, T replaced by C.
Protein change: p.Ile391Thr; replaces isoleucine 391 with threonine.
Molecular consequence: missense variant. On other transcripts: intron variant (1).
Genome position (GRCh38, 1-based): chr10:125,852,563, A>G on the plus strand (T>C on the coding strand, the complement: DHX32 is on the minus strand). VCF-style: chr10-125852563-A-G. GRCh37 (hg19) VCF-style: chr10-127541132-A-G.
Other names: c.851-562A>G (NM_016567.4); short protein forms I391T.
Identifiers: ClinVar variation 2016564 (VCV002016564.6), dbSNP rs371312612, ClinGen allele CA5739258.

ClinVar aggregate classification (germline): Uncertain significance. Review status: criteria provided, multiple submitters, no conflicts (2 of 4 stars). 2 submissions from 2 submitters: Uncertain significance (2). Last evaluated 2025-09-17.

Allele frequency attached by ClinVar (database versions not stated): ExAC 0.00003; gnomAD exomes 0.00002; TOPMed 0.00003; gnomAD 0.00003; ESP Exome Variant Server 0.00008.
gnomAD v4.1: 33 of 1,613,596 alleles (0.002%); highest among the groups gnomAD compares: Middle Eastern, 0.016%; no homozygotes.

Submissions (2):

Labcorp Genetics (formerly Invitae), Labcorp
Classification: Uncertain significance. Last evaluated: 2025-09-17. Review status: criteria provided, single submitter. Criteria: Invitae Variant Classification Sherloc (09022015). Collection method: clinical testing. Allele origin: germline.
Comment: This sequence change replaces isoleucine, which is neutral and non-polar, with threonine, which is neutral and polar, at codon 391 of the DHX32 protein (p.Ile391Thr). This variant is present in population databases (rs371312612, gnomAD 0.005%). This variant has not been reported in the literature in individuals affected with DHX32-related conditions. ClinVar contains an entry for this variant (Variation ID: 2016564). An algorithm developed to predict the effect of missense changes on protein structure and function (PolyPhen-2) suggests that this variant is likely to be tolerated. In summary, the available evidence is currently insufficient to determine the role of this variant in disease. Therefore, it has been classified as a Variant of Uncertain Significance.

Ambry Genetics
Classification: Uncertain significance. Last evaluated: 2025-09-11. Review status: criteria provided, single submitter. Criteria: Ambry Variant Classification Scheme 2023. Collection method: clinical testing. Allele origin: germline.